The following is an entry in ClinVar:

NM_206933.4(USH2A):c.12429G>A (p.Ser4143=)

Gene: USH2A (usherin; minus strand). Cytogenetic location: 1q41.
Variant type: single nucleotide variant.
Coding change: c.12429G>A on transcript NM_206933.4 (MANE Select); coding-DNA position 12429, G replaced by A.
Protein change: p.Ser4143=; no amino-acid change (serine 4143 retained).
Molecular consequence: synonymous variant.
Genome position (GRCh38, 1-based): chr1:215,675,482, C>T on the plus strand (G>A on the coding strand, the complement: USH2A is on the minus strand). VCF-style: chr1-215675482-C-T. GRCh37 (hg19) VCF-style: chr1-215848824-C-T.
Identifiers: ClinVar variation 752787 (VCV000752787.16), dbSNP rs766310214, ClinGen allele CA1393467.

ClinVar aggregate classification (germline): Likely benign. Review status: criteria provided, multiple submitters, no conflicts (2 of 4 stars). 7 submissions from 6 submitters: Likely benign (6). 1 of the submissions does not count toward it. Last evaluated 2026-01-19.

Conditions:
Retinitis pigmentosa 39 (RP39). Identifiers: Orphanet 791, MedGen C3151138, MONDO:0013436, OMIM 613809.
Usher syndrome type 2A. Also called: RETINAL DISEASE IN USHER SYNDROME TYPE IIA, MODIFIER OF; USHER SYNDROME, TYPE IIA. Identifiers: Orphanet 231178, Orphanet 886, MedGen C1848634, MONDO:0010169, OMIM 276901.
USH2A-related disorder. Also called: USH2A-related condition; USH2A-related disorders. Identifiers: MedGen CN239332.

Allele frequency attached by ClinVar (database versions not stated): gnomAD 0.00003; TOPMed 0.00007; ExAC 0.00011; gnomAD exomes 0.00013.
gnomAD v4.1: 62 of 1,613,880 alleles (0.0038%); highest among the groups gnomAD compares: Admixed American, 0.06%; no homozygotes.

Submissions (7):

Labcorp Genetics (formerly Invitae), Labcorp
Classification: Likely benign. Last evaluated: 2026-01-19. Review status: criteria provided, single submitter. Criteria: Invitae Variant Classification Sherloc (09022015). Collection method: clinical testing. Allele origin: germline.

PreventionGenetics, part of Exact Sciences
Classification: Likely benign for USH2A-related condition. Last evaluated: 2025-05-04. Review status: criteria provided, single submitter. Criteria: ACMG Guidelines, 2015. Collection method: clinical testing. Allele origin: germline.
Comment: This variant is classified as likely benign based on ACMG/AMP sequence variant interpretation guidelines (Richards et al. 2015 PMID: 25741868, with internal and published modifications).

Genome-Nilou Lab
Classification: Likely benign for Retinitis pigmentosa 39. Last evaluated: 2023-11-04. Review status: criteria provided, single submitter. Criteria: ACMG Guidelines, 2015. Collection method: clinical testing. Allele origin: germline. Affected: no.

Genome-Nilou Lab
Classification: Likely benign for Usher syndrome type 2A. Last evaluated: 2023-11-04. Review status: criteria provided, single submitter. Criteria: ACMG Guidelines, 2015. Collection method: clinical testing. Allele origin: germline. Affected: no.

Blueprint Genetics
Classification: Likely benign. Last evaluated: 2022-07-27. Review status: criteria provided, single submitter. Criteria: ACMG Guidelines, 2015. Collection method: clinical testing. Allele origin: germline.

GeneDx
Classification: Likely benign. Last evaluated: 2021-05-12. Review status: criteria provided, single submitter. Criteria: GeneDx Variant Classification Process June 2021. Collection method: clinical testing. Allele origin: germline. Affected: yes.

Natera, Inc.
Classification: Likely benign for Usher syndrome type 2A. Last evaluated: 2020-02-06. Review status: no assertion criteria provided. Collection method: clinical testing. Allele origin: germline. Not counted in ClinVar's aggregate classification.